The following is an entry in ClinVar:

NM_001042492.3(NF1):c.1660del (p.Gln554fs)

Gene: NF1 (neurofibromin 1; plus strand). Cytogenetic location: 17q11.2.
Variant type: Deletion.
Coding change: c.1660del on transcript NM_001042492.3 (MANE Select); coding-DNA position 1660, one base deleted (C; older notation c.1660delC).
Protein change: p.Gln554fs; shifts the reading frame from glutamine 554.
Molecular consequence: frameshift variant.
Genome position (GRCh38, 1-based): chr17:31,221,868, C deleted. VCF-style (leftmost placement, unchanged base first): chr17-31221867-TC-T. GRCh37 (hg19) VCF-style: chr17-29548885-TC-T.
Other names: c.1660delC, p.Gln554Serfs (NM_000267.4); c.1660del, p.Gln554fs (NM_001128147.3); short protein forms Q554fs.
Identifiers: ClinVar variation 1075490 (VCV001075490.5), dbSNP rs2144003956, ClinGen allele CA2499224000.

ClinVar aggregate classification (germline): Pathogenic (1 of 4 stars; one submission).

Conditions:
Neurofibromatosis, type 1 (NF1). Also called: VON RECKLINGHAUSEN DISEASE; Peripheral type neurofibromatosis; NEUROFIBROMATOSIS, TYPE I, SOMATIC; Neurofibromatosis, type I. Identifiers: Orphanet 636, MedGen C0027831, MONDO:0018975, OMIM 162200. Disease mechanism: loss of function.

Submission:

Labcorp Genetics (formerly Invitae), Labcorp
Classification: Pathogenic for Neurofibromatosis, type 1. Last evaluated: 2020-08-04. Review status: criteria provided, single submitter. Criteria: Invitae Variant Classification Sherloc (09022015). Collection method: clinical testing. Allele origin: germline.
Comment: This variant has not been reported in the literature in individuals with NF1-related conditions. This variant is not present in population databases (ExAC no frequency). This sequence change creates a premature translational stop signal (p.Gln554Serfs*2) in the NF1 gene. It is expected to result in an absent or disrupted protein product. Loss-of-function variants in NF1 are known to be pathogenic (PMID: 10712197, 23913538). For these reasons, this variant has been classified as Pathogenic.

Literature cited by the submitters: PubMed 10712197; PubMed 23913538.